The following is an entry in ClinVar:

ClinVar aggregate classification (germline): Uncertain significance. Review status: criteria provided, multiple submitters, no conflicts (2 of 4 stars). 2 submissions from 2 submitters: Uncertain significance (2). Last evaluated 2025-08-22.

Conditions:
Inborn genetic diseases. Identifiers: MedGen C0950123, MeSH D030342.

Allele frequency attached by ClinVar (database versions not stated): gnomAD 0.00001; gnomAD exomes 0.00002; TOPMed 0.00002.
gnomAD v4.1: 24 of 1,613,334 alleles (0.0015%); highest among the groups gnomAD compares: African/African-American, 0.0053%; no homozygotes.

Submissions (2):

Ambry Genetics
Classification: Uncertain significance for Inborn genetic diseases. Last evaluated: 2025-08-22. Review status: criteria provided, single submitter. Criteria: Ambry Variant Classification Scheme 2023. Collection method: clinical testing. Allele origin: germline.
Comment: The c.3511G>A (p.V1171I) alteration is located in exon 10 (coding exon 10) of the KMT2B gene. This alteration results from a G to A substitution at nucleotide position 3511, causing the valine (V) at amino acid position 1171 to be replaced by an isoleucine (I). This variant was not reported in population-based cohorts in the Genome Aggregation Database (gnomAD). This amino acid position is not well conserved in available vertebrate species. This alteration is predicted to be tolerated by in silico analysis. Based on insufficient or conflicting evidence, the clinical significance of this alteration remains unclear.

Labcorp Genetics (formerly Invitae), Labcorp
Classification: Uncertain significance. Last evaluated: 2024-06-22. Review status: criteria provided, single submitter. Criteria: Invitae Variant Classification Sherloc (09022015). Collection method: clinical testing. Allele origin: germline.
Comment: This sequence change replaces valine, which is neutral and non-polar, with isoleucine, which is neutral and non-polar, at codon 1171 of the KMT2B protein (p.Val1171Ile). This variant is not present in population databases (gnomAD no frequency). This variant has not been reported in the literature in individuals affected with KMT2B-related conditions. Advanced modeling of protein sequence and biophysical properties (such as structural, functional, and spatial information, amino acid conservation, physicochemical variation, residue mobility, and thermodynamic stability) performed at Invitae indicates that this missense variant is not expected to disrupt KMT2B protein function with a negative predictive value of 95%. In summary, the available evidence is currently insufficient to determine the role of this variant in disease. Therefore, it has been classified as a Variant of Uncertain Significance.

NM_014727.3(KMT2B):c.3511G>A (p.Val1171Ile)

Gene: KMT2B (lysine methyltransferase 2B; plus strand). Cytogenetic location: 19q13.12.
Variant type: single nucleotide variant.
Coding change: c.3511G>A on transcript NM_014727.3 (MANE Select); coding-DNA position 3511, G replaced by A.
Protein change: p.Val1171Ile; replaces valine 1171 with isoleucine.
Molecular consequence: missense variant.
Genome position (GRCh38, 1-based): chr19:35,725,070, G>A. VCF-style: chr19-35725070-G-A. GRCh37 (hg19) VCF-style: chr19-36215971-G-A.
Other names: short protein forms V1171I.
Identifiers: ClinVar variation 3115986 (VCV003115986.4), dbSNP rs1969382045, ClinGen allele CA405408412.